The following is an entry in ClinVar:

NM_001127222.2(CACNA1A):c.157G>A (p.Ala53Thr)

Gene: CACNA1A (calcium voltage-gated channel subunit alpha1 A; minus strand). Cytogenetic location: 19p13.13.
Variant type: single nucleotide variant.
Coding change: c.157G>A on transcript NM_001127222.2 (MANE Select); coding-DNA position 157, G replaced by A.
Protein change: p.Ala53Thr; replaces alanine 53 with threonine.
Molecular consequence: missense variant.
Genome position (GRCh38, 1-based): chr19:13,506,068, C>T on the plus strand (G>A on the coding strand, the complement: CACNA1A is on the minus strand). VCF-style: chr19-13506068-C-T. GRCh37 (hg19) VCF-style: chr19-13616882-C-T.
Other names: c.157G>A, p.Ala53Thr (NM_000068.4, NM_001127221.2, NM_001174080.2 and 1 more transcripts); short protein forms A53T.
Identifiers: ClinVar variation 2126781 (VCV002126781.4), dbSNP rs2513709272, ClinGen allele CA404971083.

ClinVar aggregate classification (germline): Uncertain significance (1 of 4 stars; one submission).

Conditions:
Episodic ataxia type 2 (EA2). Also called: ACETAZOLAMIDE-RESPONSIVE HEREDITARY PAROXYSMAL CEREBELLAR ATAXIA; ATAXIA, EPISODIC, WITH NYSTAGMUS; ATAXIA, FAMILIAL PAROXYSMAL; CEREBELLAR ATAXIA, PAROXYSMAL, ACETAZOLAMIDE-RESPONSIVE; CEREBELLOPATHY, HEREDITARY PAROXYSMAL; EPISODIC ATAXIA, NYSTAGMUS-ASSOCIATED. Identifiers: Orphanet 97, MedGen C1720416, MONDO:0007163, OMIM 108500.
Developmental and epileptic encephalopathy, 42 (DEE42A). Also called: EPILEPTIC ENCEPHALOPATHY, EARLY INFANTILE, 42A; DEVELOPMENTAL AND EPILEPTIC ENCEPHALOPATHY 42A; Epileptic encephalopathy, early infantile, 42. Identifiers: MedGen C4310716, MONDO:0014917, OMIM 617106.

Submission:

Labcorp Genetics (formerly Invitae), Labcorp
Classification: Uncertain significance for Developmental and epileptic encephalopathy, 42; Episodic ataxia type 2. Last evaluated: 2022-04-16. Review status: criteria provided, single submitter. Criteria: Invitae Variant Classification Sherloc (09022015). Collection method: clinical testing. Allele origin: germline.
Comment: In summary, the available evidence is currently insufficient to determine the role of this variant in disease. Therefore, it has been classified as a Variant of Uncertain Significance. Advanced modeling of protein sequence and biophysical properties (such as structural, functional, and spatial information, amino acid conservation, physicochemical variation, residue mobility, and thermodynamic stability) performed at Invitae indicates that this missense variant is expected to disrupt CACNA1A protein function. This variant has not been reported in the literature in individuals affected with CACNA1A-related conditions. This variant is not present in population databases (gnomAD no frequency). This sequence change replaces alanine, which is neutral and non-polar, with threonine, which is neutral and polar, at codon 53 of the CACNA1A protein (p.Ala53Thr).